The following is an entry in ClinVar:

ClinVar aggregate classification (germline): Uncertain significance (1 of 4 stars; one submission).

Submission:

GeneDx
Classification: Uncertain significance. Last evaluated: 2020-07-02. Review status: criteria provided, single submitter. Criteria: GeneDx Variant Classification Process June 2021. Collection method: clinical testing. Allele origin: germline. Affected: yes.
Comment: Not observed at a significant frequency in large population cohorts (Lek et al., 2016); In silico analysis supports that this missense variant does not alter protein structure/function; Has not been previously published as pathogenic or benign to our knowledge

NM_022489.4(INF2):c.25C>A (p.Arg9Ser)

Gene: INF2 (inverted formin 2; plus strand). Cytogenetic location: 14q32.33.
Variant type: single nucleotide variant.
Coding change: c.25C>A on transcript NM_022489.4 (MANE Select); coding-DNA position 25, C replaced by A.
Protein change: p.Arg9Ser; replaces arginine 9 with serine.
Molecular consequence: missense variant.
Genome position (GRCh38, 1-based): chr14:104,701,390, C>A. VCF-style: chr14-104701390-C-A. GRCh37 (hg19) VCF-style: chr14-105167727-C-A.
Other names: c.25C>A, p.Arg9Ser (NM_001031714.4, NM_032714.3); short protein forms R9S.
Identifiers: ClinVar variation 1312837 (VCV001312837.2), dbSNP rs1889485557, ClinGen allele CA391224382.